The following is an entry in ClinVar:

ClinVar aggregate classification (germline): Pathogenic/Likely pathogenic. Review status: criteria provided, multiple submitters, no conflicts (2 of 4 stars). 6 submissions from 6 submitters: Pathogenic (3); Likely pathogenic (2). 1 of the submissions does not count toward it. Last evaluated 2025-03-09.

Conditions:
TRIT1-related disorder. Also called: TRIT1-related condition.
Combined oxidative phosphorylation deficiency 35 (COXPD35). Identifiers: MedGen C4693466, MONDO:0054742, OMIM 617873.

Allele frequency attached by ClinVar (database versions not stated): ExAC 0.00002; ESP Exome Variant Server 0.00015; gnomAD 0.00001.
gnomAD v4.1: 18 of 1,613,908 alleles (0.0011%); highest among the groups gnomAD compares: African/African-American, 0.0027%; no homozygotes.

Submissions (6):

Dasa
Classification: Likely pathogenic. Last evaluated: 2025-03-09. Review status: criteria provided, single submitter. Criteria: DASA Assertion Criteria. Collection method: clinical testing. Allele origin: germline.
Comment: NM_017646.6(TRIT1):c.967C>T (p.Arg323Trp) is a missense variant that results in the substitution of arginine with tryptophan. The affected residue or protein region has prior evidence supporting clinical relevance. This variant has been observed in affected individuals with related phenotype in a genotype context consistent with recessive disease (PMID: 35032046; PMID: 36047296; PMID: 37471090). This variant has been recurrently observed in individuals with related phenotype (PMID: 35032046; PMID: 36047296; PMID: 37471090). Multiple computational predictions support a deleterious effect on the gene or gene product. The variant is present at low frequency in population datasets. Based on the available data, this variant is classified as likely pathogenic.

Labcorp Genetics (formerly Invitae), Labcorp
Classification: Likely pathogenic. Last evaluated: 2025-01-16. Review status: criteria provided, single submitter. Criteria: Invitae Variant Classification Sherloc (09022015). Collection method: clinical testing. Allele origin: germline.
Comment: This sequence change replaces arginine, which is basic and polar, with tryptophan, which is neutral and slightly polar, at codon 323 of the TRIT1 protein (p.Arg323Trp). This variant is present in population databases (rs370866302, gnomAD 0.004%). This missense change has been observed in individual(s) with clinical features of TRIT1-related conditions (PMID: 31665838, 35032046, 37471090). In at least one individual the data is consistent with being in trans (on the opposite chromosome) from a pathogenic variant. ClinVar contains an entry for this variant (Variation ID: 1686274). Invitae Evidence Modeling of protein sequence and biophysical properties (such as structural, functional, and spatial information, amino acid conservation, physicochemical variation, residue mobility, and thermodynamic stability) indicates that this missense variant is expected to disrupt TRIT1 protein function with a positive predictive value of 80%. This variant disrupts the p.Arg323 amino acid residue in TRIT1. Other variant(s) that disrupt this residue have been determined to be pathogenic (PMID: 24901367, 37393059). This suggests that this residue is clinically significant, and that variants that disrupt this residue are likely to be disease-causing. In summary, the currently available evidence indicates that the variant is pathogenic, but additional data are needed to prove that conclusively. Therefore, this variant has been classified as Likely Pathogenic.

GeneDx
Classification: Pathogenic. Last evaluated: 2024-07-18. Review status: criteria provided, single submitter. Criteria: GeneDx Variant Classification Process June 2021. Collection method: clinical testing. Allele origin: germline. Affected: yes.
Comment: Not observed at significant frequency in large population cohorts (gnomAD); In silico analysis supports that this missense variant has a deleterious effect on protein structure/function; This variant is associated with the following publications: (PMID: 31665838, 37471090, 36047296, 35032046)

Blueprint Genetics
Classification: Pathogenic for TRIT1-related disorders. Last evaluated: 2024-04-29. Review status: criteria provided, single submitter. Criteria: ACMG Guidelines, 2015. Collection method: clinical testing. Allele origin: germline. Affected: yes. Observed: 5 variant alleles.

Mendelics
Classification: Pathogenic for Combined oxidative phosphorylation deficiency 35. Last evaluated: 2022-05-04. Review status: criteria provided, single submitter. Criteria: Mendelics Assertion Criteria 2019. Collection method: clinical testing. Allele origin: germline.

OMIM
Classification: Pathogenic for COMBINED OXIDATIVE PHOSPHORYLATION DEFICIENCY 35. Last evaluated: 2024-02-05. Review status: no assertion criteria provided. Collection method: literature only. Allele origin: germline. Not counted in ClinVar's aggregate classification.

Literature cited by the submitters: PubMed 35032046 (cited by Dasa and Labcorp Genetics (formerly Invitae), Labcorp); PubMed 36047296 (cited by Dasa and OMIM); PubMed 37471090 (cited by Dasa and Labcorp Genetics (formerly Invitae), Labcorp); PubMed 31665838 (cited by Labcorp Genetics (formerly Invitae), Labcorp); PubMed 24901367 (cited by Labcorp Genetics (formerly Invitae), Labcorp); PubMed 37393059 (cited by Labcorp Genetics (formerly Invitae), Labcorp).

NM_017646.6(TRIT1):c.967C>T (p.Arg323Trp)

Gene: TRIT1 (tRNA isopentenyltransferase 1; minus strand). Cytogenetic location: 1p34.2.
Variant type: single nucleotide variant.
Coding change: c.967C>T on transcript NM_017646.6 (MANE Select); coding-DNA position 967, C replaced by T.
Protein change: p.Arg323Trp; replaces arginine 323 with tryptophan.
Molecular consequence: missense variant. On other transcripts: intron variant (1).
Genome position (GRCh38, 1-based): chr1:39,847,259, G>A on the plus strand (C>T on the coding strand, the complement: TRIT1 is on the minus strand). VCF-style: chr1-39847259-G-A. GRCh37 (hg19) VCF-style: chr1-40312931-G-A.
Other names: R323Y; c.721C>T, p.Arg241Trp (NM_001312692.2); c.928+289C>T (NM_001312691.1); short protein forms R241W, R323W.
Identifiers: ClinVar variation 1686274 (VCV001686274.10), dbSNP rs370866302, ClinGen allele CA787952.
Genomic context (GRCh38, chr1:39,847,259, plus strand): 5'-AAAGAAAAACATGAGACTTACTGCTCAAAAAACGGTTTTTAACCCATCGGTTTTGTTTCC[G>A]GGCATATCTCTTAGTTACTTGTTTCAGAGCCTCAATACCTGAAAGATACAGTAGATTTAA-3'
Protein context (NP_060116.2, residues 313-333): ALKQVTKRYA[Arg323Trp]KQNRWVKNRF